The following is an entry in ClinVar:

NM_006416.5(SLC35A1):c.886+215C>T

Gene: SLC35A1 (solute carrier family 35 member A1; plus strand). Cytogenetic location: 6q15.
Variant type: single nucleotide variant.
Coding change: c.886+215C>T on transcript NM_006416.5 (MANE Select); 215 bases into the intron after coding-DNA position 886, C replaced by T.
Molecular consequence: intron variant.
Genome position (GRCh38, 1-based): chr6:87,509,390, C>T. VCF-style: chr6-87509390-C-T. GRCh37 (hg19) VCF-style: chr6-88219108-C-T.
Other names: c.709+215C>T (NM_001168398.2).
Identifiers: ClinVar variation 4813948 (VCV004813948.1).

ClinVar aggregate classification (germline): Likely benign (1 of 4 stars; one submission).

gnomAD v4.1: 1,402 of 152,156 alleles (0.92%); highest among the groups gnomAD compares: African/African-American, 3.1%; 23 homozygotes.

Submission:

GeneDx
Classification: Likely benign. Last evaluated: 2021-04-25. Review status: criteria provided, single submitter. Criteria: GeneDx Variant Classification Process June 2021. Collection method: clinical testing. Allele origin: germline. Affected: yes.
Comment: See Variant Classification Assertion Criteria.